The following is an entry in ClinVar:

NC_000017.11:g.(?_61808457)_(61808767_?)del

Gene: BRIP1 (BRCA1 interacting DNA helicase 1; minus strand). Cytogenetic location: 17q23.2.
Variant type: Deletion.
Identifiers: ClinVar variation 831205 (VCV000831205.4).

ClinVar aggregate classification (germline): Pathogenic (1 of 4 stars; one submission).

Conditions:
Fanconi anemia complementation group J. Also called: BRIP1-Related Fanconi Anemia. Identifiers: Orphanet 84, MedGen C1836860, MONDO:0012187, OMIM 609054.
Familial cancer of breast. Also called: hereditary breast carcinoma; BREAST CANCER, FAMILIAL; Hereditary breast cancer. Identifiers: Orphanet 227535, MedGen C0346153, MONDO:0016419, OMIM 114480. Disease mechanism: loss of function.

Submission:

Labcorp Genetics (formerly Invitae), Labcorp
Classification: Pathogenic for Familial cancer of breast; Fanconi anemia complementation group J. Last evaluated: 2023-04-29. Review status: criteria provided, single submitter. Criteria: Invitae Variant Classification Sherloc (09022015). Collection method: clinical testing. Allele origin: germline.
Comment: For these reasons, this variant has been classified as Pathogenic. This variant disrupts a region of the BRIP1 protein in which other variant(s) (p.Arg251Cys) have been determined to be pathogenic (PMID: 23613520, 24573678, 27107905, 27427815). This suggests that this is a clinically significant region of the protein, and that variants that disrupt it are likely to be disease-causing. This variant has not been reported in the literature in individuals affected with BRIP1-related conditions. This variant is a gross deletion of the genomic region encompassing exon(s) 7 of the BRIP1 gene. This variant would be expected to be in-frame, preserving the integrity of the reading frame.

Literature cited by the submitters: PubMed 23613520; PubMed 24573678; PubMed 27107905; PubMed 27427815.